The following is an entry in ClinVar:

NM_181882.3(PRX):c.3536G>A (p.Gly1179Asp)

Gene: PRX (periaxin; minus strand). Cytogenetic location: 19q13.2.
Variant type: single nucleotide variant.
Coding change: c.3536G>A on transcript NM_181882.3 (MANE Select); coding-DNA position 3536, G replaced by A.
Protein change: p.Gly1179Asp; replaces glycine 1179 with aspartic acid.
Molecular consequence: missense variant. On other transcripts: 3 prime UTR variant (1).
Genome position (GRCh38, 1-based): chr19:40,394,816, C>T on the plus strand (G>A on the coding strand, the complement: PRX is on the minus strand). VCF-style: chr19-40394816-C-T. GRCh37 (hg19) VCF-style: chr19-40900723-C-T.
Other names: c.*3741G>A (NM_020956.2); short protein forms G1179D.
Identifiers: ClinVar variation 1449850 (VCV001449850.8), dbSNP rs1306056577, ClinGen allele CA405893283.

ClinVar aggregate classification (germline): Uncertain significance (1 of 4 stars; one submission).

Conditions:
Charcot-Marie-Tooth disease type 4. Also called: Charcot-Marie-Tooth disease, type IV; Charcot-Marie-Tooth, Type 4. Identifiers: Orphanet 64749, MedGen C4082197, MONDO:0018995.

Allele frequency attached by ClinVar (database versions not stated): TOPMed below 0.00001.

Submission:

Labcorp Genetics (formerly Invitae), Labcorp
Classification: Uncertain significance for Charcot-Marie-Tooth disease type 4. Last evaluated: 2022-08-23. Review status: criteria provided, single submitter. Criteria: Invitae Variant Classification Sherloc (09022015). Collection method: clinical testing. Allele origin: germline.
Comment: In summary, the available evidence is currently insufficient to determine the role of this variant in disease. Therefore, it has been classified as a Variant of Uncertain Significance. Algorithms developed to predict the effect of missense changes on protein structure and function output the following: SIFT: "Tolerated"; PolyPhen-2: "Benign"; Align-GVGD: "Class C0". The aspartic acid amino acid residue is found in multiple mammalian species, which suggests that this missense change does not adversely affect protein function. ClinVar contains an entry for this variant (Variation ID: 1449850). This variant has not been reported in the literature in individuals affected with PRX-related conditions. This variant is not present in population databases (gnomAD no frequency). This sequence change replaces glycine, which is neutral and non-polar, with aspartic acid, which is acidic and polar, at codon 1179 of the PRX protein (p.Gly1179Asp).